The following is an entry in ClinVar:

NM_007272.3(CTRC):c.667C>G (p.Gln223Glu)

Gene: CTRC (chymotrypsin C; plus strand). Cytogenetic location: 1p36.21.
Variant type: single nucleotide variant.
Coding change: c.667C>G on transcript NM_007272.3 (MANE Select); coding-DNA position 667, C replaced by G.
Protein change: p.Gln223Glu; replaces glutamine 223 with glutamic acid.
Molecular consequence: missense variant.
Genome position (GRCh38, 1-based): chr1:15,445,624, C>G. VCF-style: chr1-15445624-C-G. GRCh37 (hg19) VCF-style: chr1-15772119-C-G.
Other names: short protein forms Q223E.
Identifiers: ClinVar variation 1754839 (VCV001754839.2), dbSNP rs2526303394, ClinGen allele CA338567726.

ClinVar aggregate classification (germline): Uncertain significance (1 of 4 stars; one submission).

Conditions:
Hereditary pancreatitis (PCTT). Also called: Hereditary chronic pancreatitis; PRSS1-Related Hereditary Pancreatitis. Identifiers: Orphanet 676, MedGen C0238339, MONDO:0008185, OMIM 167800.

Allele frequency attached by ClinVar (database versions not stated): gnomAD exomes below 0.00001.

Submission:

Ambry Genetics
Classification: Uncertain significance for Hereditary pancreatitis. Last evaluated: 2022-04-20. Review status: criteria provided, single submitter. Criteria: Ambry Variant Classification Scheme 2023. Collection method: clinical testing. Allele origin: germline.
Comment: The p.Q223E variant (also known as c.667C>G), located in coding exon 7 of the CTRC gene, results from a C to G substitution at nucleotide position 667. The glutamine at codon 223 is replaced by glutamic acid, an amino acid with highly similar properties. This amino acid position is conserved. In addition, this alteration is predicted to be tolerated by in silico analysis. Since supporting evidence is limited at this time, the clinical significance of this alteration remains unclear.